The following is an entry in ClinVar:

ClinVar aggregate classification (germline): Uncertain significance (1 of 4 stars; one submission).

Conditions:
Cohen syndrome (COH1). Also called: Cutis verticis gyrata, retinitis pigmentosa, and sensorineural deafness; PEPPER SYNDROME. Identifiers: Orphanet 193, MedGen C0265223, MONDO:0008999, OMIM 216550.

Allele frequency attached by ClinVar (database versions not stated): TOPMed below 0.00001.
gnomAD v4.1: 1 of 1,614,072 alleles (0.000062%); highest among the groups gnomAD compares: Non-Finnish European, 0.000085%; no homozygotes.

Submission:

Labcorp Genetics (formerly Invitae), Labcorp
Classification: Uncertain significance for Cohen syndrome. Last evaluated: 2022-04-22. Review status: criteria provided, single submitter. Criteria: Invitae Variant Classification Sherloc (09022015). Collection method: clinical testing. Allele origin: germline.
Comment: In summary, the available evidence is currently insufficient to determine the role of this variant in disease. Therefore, it has been classified as a Variant of Uncertain Significance. Algorithms developed to predict the effect of missense changes on protein structure and function output the following: SIFT: "Not Available"; PolyPhen-2: "Benign"; Align-GVGD: "Not Available". The isoleucine amino acid residue is found in multiple mammalian species, which suggests that this missense change does not adversely affect protein function. This variant has not been reported in the literature in individuals affected with VPS13B-related conditions. This variant is not present in population databases (gnomAD no frequency). This sequence change replaces valine, which is neutral and non-polar, with isoleucine, which is neutral and non-polar, at codon 3279 of the VPS13B protein (p.Val3279Ile).

NM_152564.5(VPS13B):c.9760G>A (p.Val3254Ile)

Gene: VPS13B (vacuolar protein sorting 13 homolog B; plus strand). Cytogenetic location: 8q22.2.
Variant type: single nucleotide variant.
Coding change: c.9760G>A on transcript NM_152564.5 (MANE Select); coding-DNA position 9760, G replaced by A.
Protein change: p.Val3254Ile; replaces valine 3254 with isoleucine.
Molecular consequence: missense variant.
Genome position (GRCh38, 1-based): chr8:99,835,556, G>A. VCF-style: chr8-99835556-G-A. GRCh37 (hg19) VCF-style: chr8-100847784-G-A.
Other names: c.9835G>A, p.Val3279Ile (NM_017890.5); short protein forms V3254I, V3279I.
Identifiers: ClinVar variation 1966734 (VCV001966734.5), dbSNP rs1259417083, ClinGen allele CA371783629.
Genomic context (GRCh38, chr8:99,835,556, plus strand): 5'-TCTTTAAGGGCTAATTCTGCATATGCCTTTTTTAAAATTTCAGATATTCCAAAGTTTGAG[G>A]TTTATTGCAAAAAAATTCCCTCCGAGTGCTCAATTCATCATGAGCTGTATCATCAGATTT-3'
Protein context (NP_689777.3, residues 3244-3264): ENIKDIPKFE[Val3254Ile]YCKKIPSECS